The following is an entry in ClinVar:

NM_015570.4(AUTS2):c.2531+1_2531+10del

Gene: AUTS2 (activator of transcription and developmental regulator AUTS2; plus strand). Cytogenetic location: 7q11.22.
Variant type: Deletion.
Coding change: c.2531+1_2531+10del on transcript NM_015570.4 (MANE Select); the canonical splice donor site of the intron after coding-DNA position 2531 through 10 bases into the intron after coding-DNA position 2531, 10 bases deleted (GTACGGAAAG; older notation c.2531+1_2531+10delGTACGGAAAG).
Molecular consequence: splice donor variant.
Genome position (GRCh38, 1-based): chr7:70,787,432-70,787,441, GTACGGAAAG deleted; deleting any 10 consecutive bases within chr7:70,787,427-70,787,441 gives the same sequence; the c. name uses the placement nearest the transcript's 3' end. VCF-style (leftmost placement, unchanged base first): chr7-70787426-AGAAAGGTACG-A. GRCh37 (hg19) VCF-style: chr7-70252412-AGAAAGGTACG-A.
Other names: c.2459+1_2459+10del (NM_001127231.3).
Identifiers: ClinVar variation 1705357 (VCV001705357.1), dbSNP rs2484943535, ClinGen allele CA2580077421.

ClinVar aggregate classification (germline): Uncertain significance (1 of 4 stars; one submission).

Conditions:
Autism spectrum disorder due to AUTS2 deficiency (MRD26). Also called: INTELLECTUAL DEVELOPMENTAL DISORDER, AUTOSOMAL DOMINANT 26. Identifiers: Orphanet 352490, MedGen C4014435, MONDO:0014361, OMIM 615834.

Submission:

3billion
Classification: Uncertain significance for Autism spectrum disorder due to AUTS2 deficiency. Last evaluated: 2022-09-01. Review status: criteria provided, single submitter. Criteria: ACMG Guidelines, 2015. Collection method: clinical testing. Allele origin: germline. Affected: yes. Observed: 1 heterozygote.
Comment: The variant is not observed in the gnomAD v2.1.1 dataset. This canonical splice variant is predicted to alter splicing, resulting in a loss or disruption of normal protein function. The predicted truncated protein may be shortened by less than 10%. Therefore, this variant is classified as uncertain significance according to the recommendation of ACMG/AMP guideline.